The following is an entry in ClinVar:

NM_006514.4(SCN10A):c.1371G>C (p.Glu457Asp)

Gene: SCN10A (sodium voltage-gated channel alpha subunit 10; minus strand). Cytogenetic location: 3p22.2.
Variant type: single nucleotide variant.
Coding change: c.1371G>C on transcript NM_006514.4 (MANE Select); coding-DNA position 1371, G replaced by C.
Protein change: p.Glu457Asp; replaces glutamic acid 457 with aspartic acid.
Molecular consequence: missense variant.
Genome position (GRCh38, 1-based): chr3:38,755,878, C>G on the plus strand (G>C on the coding strand, the complement: SCN10A is on the minus strand). VCF-style: chr3-38755878-C-G. GRCh37 (hg19) VCF-style: chr3-38797369-C-G.
Other names: c.1371G>C, p.Glu457Asp (NM_001293306.2, NM_001293307.2); short protein forms E457D.
Identifiers: ClinVar variation 1491949 (VCV001491949.8), dbSNP rs1276989301, ClinGen allele CA352168950.

ClinVar aggregate classification (germline): Uncertain significance (1 of 4 stars; one submission).

Conditions:
Brugada syndrome. Also called: Sudden unexpected nocturnal death syndrome; Sudden Unexplained Death Syndrome; Sudden Unexplained Nocturnal Death Syndrome (SUNDS); Sudden unexplained nocturnal death syndrome. Identifiers: Orphanet 130, MedGen C1142166, MONDO:0015263.

gnomAD v4.1: 5 of 1,614,200 alleles (0.00031%); highest among the groups gnomAD compares: Non-Finnish European, 0.00042%; no homozygotes.

Submission:

Labcorp Genetics (formerly Invitae), Labcorp
Classification: Uncertain significance for Brugada syndrome. Last evaluated: 2021-07-21. Review status: criteria provided, single submitter. Criteria: Invitae Variant Classification Sherloc (09022015). Collection method: clinical testing. Allele origin: germline.
Comment: In summary, the available evidence is currently insufficient to determine the role of this variant in disease. Therefore, it has been classified as a Variant of Uncertain Significance. Advanced modeling of protein sequence and biophysical properties (such as structural, functional, and spatial information, amino acid conservation, physicochemical variation, residue mobility, and thermodynamic stability) performed at Invitae indicates that this missense variant is not expected to disrupt SCN10A protein function. This variant has not been reported in the literature in individuals affected with SCN10A-related conditions. This variant is not present in population databases (ExAC no frequency). This sequence change replaces glutamic acid with aspartic acid at codon 457 of the SCN10A protein (p.Glu457Asp). The glutamic acid residue is highly conserved and there is a small physicochemical difference between glutamic acid and aspartic acid.